The following is an entry in ClinVar:

ClinVar aggregate classification (germline): Uncertain significance (1 of 4 stars; one submission).

Allele frequency attached by ClinVar (database versions not stated): TOPMed below 0.00001; gnomAD 0.00001.
gnomAD v4.1: 6 of 1,555,010 alleles (0.00039%); highest among the groups gnomAD compares: Non-Finnish European, 0.00044%; no homozygotes.

Submission:

Labcorp Genetics (formerly Invitae), Labcorp
Classification: Uncertain significance. Last evaluated: 2021-09-01. Review status: criteria provided, single submitter. Criteria: Invitae Variant Classification Sherloc (09022015). Collection method: clinical testing. Allele origin: germline.
Comment: This sequence change replaces aspartic acid with histidine at codon 146 of the TCIRG1 protein (p.Asp146His). The aspartic acid residue is weakly conserved and there is a moderate physicochemical difference between aspartic acid and histidine. This variant is not present in population databases (ExAC no frequency). This variant has not been reported in the literature in individuals affected with TCIRG1-related conditions. Algorithms developed to predict the effect of missense changes on protein structure and function (SIFT, PolyPhen-2, Align-GVGD) all suggest that this variant is likely to be tolerated. In summary, the available evidence is currently insufficient to determine the role of this variant in disease. Therefore, it has been classified as a Variant of Uncertain Significance.

NM_006019.4(TCIRG1):c.436G>C (p.Asp146His)

Gene: TCIRG1 (T cell immune regulator 1, ATPase H+ transporting V0 subunit a3; plus strand). Cytogenetic location: 11q13.2.
Variant type: single nucleotide variant.
Coding change: c.436G>C on transcript NM_006019.4 (MANE Select); coding-DNA position 436, G replaced by C.
Protein change: p.Asp146His; replaces aspartic acid 146 with histidine.
Molecular consequence: missense variant. On other transcripts: 5 prime UTR variant (1).
Genome position (GRCh38, 1-based): chr11:68,042,964, G>C. VCF-style: chr11-68042964-G-C. GRCh37 (hg19) VCF-style: chr11-67810431-G-C.
Other names: c.-814G>C (NM_001351059.2); short protein forms D146H.
Identifiers: ClinVar variation 1905911 (VCV001905911.2), dbSNP rs986723688, ClinGen allele CA224203240.